The following is an entry in ClinVar:

NM_001276345.2(TNNT2):c.810G>T (p.Glu270Asp)

Gene: TNNT2 (troponin T2, cardiac type; minus strand). Cytogenetic location: 1q32.1.
Variant type: single nucleotide variant.
Coding change: c.810G>T on transcript NM_001276345.2 (MANE Select); coding-DNA position 810, G replaced by T.
Protein change: p.Glu270Asp; replaces glutamic acid 270 with aspartic acid.
Molecular consequence: missense variant.
Genome position (GRCh38, 1-based): chr1:201,361,279, C>A on the plus strand (G>T on the coding strand, the complement: TNNT2 is on the minus strand). VCF-style: chr1-201361279-C-A. GRCh37 (hg19) VCF-style: chr1-201330407-C-A.
Other names: c.801G>T, p.Glu267Asp (NM_000364.4); c.780G>T, p.Glu260Asp (NM_001001430.3, NM_001276347.2); c.771G>T, p.Glu257Asp (NM_001001431.3); c.762G>T, p.Glu254Asp (NM_001001432.3); c.681G>T, p.Glu227Asp (NM_001276346.2); short protein forms E257D, E260D, E270D, E227D, E254D, E267D.
Identifiers: ClinVar variation 1481416 (VCV001481416.6), dbSNP rs1658572329, ClinGen allele CA344202531.

ClinVar aggregate classification (germline): Uncertain significance (1 of 4 stars; one submission).

Conditions:
Dilated cardiomyopathy 1D. Identifiers: Orphanet 154, Orphanet 54260, MedGen C1832243, MONDO:0011095, OMIM 601494.
Cardiomyopathy, familial restrictive, 3. Identifiers: Orphanet 75249, MedGen C2676271, MONDO:0012900, OMIM 612422.
Hypertrophic cardiomyopathy 2. Also called: TNNT2-Related Familial Hypertrophic Cardiomyopathy. Identifiers: MedGen C1861864, MONDO:0007266, OMIM 115195.

Submission:

Labcorp Genetics (formerly Invitae), Labcorp
Classification: Uncertain significance for Cardiomyopathy, familial restrictive, 3; Hypertrophic cardiomyopathy 2; Dilated cardiomyopathy 1D. Last evaluated: 2024-02-07. Review status: criteria provided, single submitter. Criteria: Invitae Variant Classification Sherloc (09022015). Collection method: clinical testing. Allele origin: germline.
Comment: This sequence change replaces glutamic acid, which is acidic and polar, with aspartic acid, which is acidic and polar, at codon 260 of the TNNT2 protein (p.Glu260Asp). This variant also falls at the last nucleotide of exon 14, which is part of the consensus splice site for this exon. This variant is not present in population databases (gnomAD no frequency). This variant has not been reported in the literature in individuals affected with TNNT2-related conditions. ClinVar contains an entry for this variant (Variation ID: 1481416). An algorithm developed to predict the effect of missense changes on protein structure and function (PolyPhen-2) suggests that this variant is likely to be disruptive. Variants that disrupt the consensus splice site are a relatively common cause of aberrant splicing (PMID: 17576681, 9536098). Algorithms developed to predict the effect of sequence changes on RNA splicing suggest that this variant may disrupt the consensus splice site. In summary, the available evidence is currently insufficient to determine the role of this variant in disease. Therefore, it has been classified as a Variant of Uncertain Significance.

Literature cited by the submitters: PubMed 17576681; PubMed 9536098.